The following is an entry in ClinVar:

NM_004036.5(ADCY3):c.3003+6T>G

Gene: ADCY3 (adenylate cyclase 3; minus strand). Cytogenetic location: 2p23.3.
Variant type: single nucleotide variant.
Coding change: c.3003+6T>G on transcript NM_004036.5 (MANE Select); 6 bases into the intron after coding-DNA position 3003, T replaced by G.
Molecular consequence: intron variant.
Genome position (GRCh38, 1-based): chr2:24,822,505, A>C on the plus strand (T>G on the coding strand, the complement: ADCY3 is on the minus strand). VCF-style: chr2-24822505-A-C. GRCh37 (hg19) VCF-style: chr2-25045374-A-C.
Other names: c.2451+6T>G (NM_001377130.1); c.2865+6T>G (NM_001377129.1); c.3006+6T>G (NM_001320613.2); c.3069+6T>G (NM_001377128.1); c.3003+6T>G (NM_001377132.1); c.2280+6T>G (NM_001377131.1).
Identifiers: ClinVar variation 3352627 (VCV003352627.1).

ClinVar aggregate classification (germline): Likely benign (0 of 4 stars; one submission).

Conditions:
ADCY3-related disorder. Also called: ADCY3-related condition.

Submission:

PreventionGenetics, part of Exact Sciences
Classification: Likely benign for ADCY3-related condition. Last evaluated: 2024-05-22. Review status: no assertion criteria provided. Collection method: clinical testing. Allele origin: germline.
Comment: This variant is classified as likely benign based on ACMG/AMP sequence variant interpretation guidelines (Richards et al. 2015 PMID: 25741868, with internal and published modifications).